The following is an entry in ClinVar:

ClinVar aggregate classification (germline): Likely benign (1 of 4 stars; one submission).

Allele frequency attached by ClinVar (database versions not stated): ExAC 0.00001; gnomAD exomes 0.00001; TOPMed 0.00008; gnomAD 0.00009.
gnomAD v4.1: 29 of 1,564,986 alleles (0.0019%); highest among the groups gnomAD compares: Admixed American, 0.045%; no homozygotes.

Submission:

CeGaT Center for Human Genetics Tuebingen
Classification: Likely benign. Last evaluated: 2022-07-01. Review status: criteria provided, single submitter. Criteria: CeGaT Center For Human Genetics Tuebingen Variant Classification Criteria Version 2. Collection method: clinical testing. Allele origin: germline. Affected: yes. Observed: 1 variant allele.
Comment: MUC5B: BP4, BP7

NM_002458.3(MUC5B):c.3768T>G (p.Leu1256=)

Gene: MUC5B (mucin 5B, oligomeric mucus/gel-forming; plus strand). Cytogenetic location: 11p15.5.
Variant type: single nucleotide variant.
Coding change: c.3768T>G on transcript NM_002458.3 (MANE Select); coding-DNA position 3768, T replaced by G.
Protein change: p.Leu1256=; no amino-acid change (leucine 1256 retained).
Molecular consequence: synonymous variant.
Genome position (GRCh38, 1-based): chr11:1,240,084, T>G. VCF-style: chr11-1240084-T-G. GRCh37 (hg19) VCF-style: chr11-1261314-T-G.
Identifiers: ClinVar variation 2641193 (VCV002641193.24), dbSNP rs749531486, ClinGen allele CA5805220.